The following is an entry in ClinVar:

ClinVar aggregate classification (germline): Uncertain significance. Review status: criteria provided, single submitter (1 of 4 stars). 2 submissions from 2 submitters: Uncertain significance (1). 1 of the submissions does not count toward it. Last evaluated 2023-10-05.

Conditions:
Kell blood group system (KEL). Also called: BLOOD GROUP--KELL-CELLANO SYSTEM; K(0); Ko. Identifiers: MedGen C0022546, OMIM 110900.

Allele frequency attached by ClinVar (database versions not stated): gnomAD 0.00003; TOPMed 0.00003.

Submissions (2):

Ambry Genetics
Classification: Uncertain significance. Last evaluated: 2023-10-05. Review status: criteria provided, single submitter. Criteria: Ambry Variant Classification Scheme 2023. Collection method: clinical testing. Allele origin: germline.

Australian Red Cross Blood Service
Classification: Affects for Kell blood group system. Last evaluated: 2021-07-01. Review status: no assertion criteria provided. Collection method: research. Allele origin: inherited. Inheritance: Codominant. Not counted in ClinVar's aggregate classification.
Comment: variable reactions with anti-k antisera.

NM_000420.3(KEL):c.1720G>A (p.Ala574Thr)

Gene: KEL (Kell metallo-endopeptidase (Kell blood group); minus strand). Cytogenetic location: 7q34.
Variant type: single nucleotide variant.
Coding change: c.1720G>A on transcript NM_000420.3 (MANE Select); coding-DNA position 1720, G replaced by A.
Protein change: p.Ala574Thr; replaces alanine 574 with threonine.
Molecular consequence: missense variant.
Genome position (GRCh38, 1-based): chr7:142,943,327, C>T on the plus strand (G>A on the coding strand, the complement: KEL is on the minus strand). VCF-style: chr7-142943327-C-T. GRCh37 (hg19) VCF-style: chr7-142640414-C-T.
Other names: c.1720G>A (NM_000420.2); short protein forms A574T.
Identifiers: ClinVar variation 1184987 (VCV001184987.3), dbSNP rs767893228, ClinGen allele CA4534115.